The following is an entry in ClinVar:

ClinVar aggregate classification (germline): Likely benign (1 of 4 stars; one submission).

Conditions:
CSMD3-related disorder. Also called: CSMD3-related condition.

gnomAD v4.1: 99 of 1,613,710 alleles (0.0061%); highest among the groups gnomAD compares: East Asian, 0.21%; 1 homozygote.

Submission:

PreventionGenetics, part of Exact Sciences
Classification: Likely benign for CSMD3-related condition. Last evaluated: 2024-12-10. Review status: criteria provided, single submitter. Criteria: ACMG Guidelines, 2015. Collection method: clinical testing. Allele origin: germline.
Comment: This variant is classified as likely benign based on ACMG/AMP sequence variant interpretation guidelines (Richards et al. 2015 PMID: 25741868, with internal and published modifications).

NM_198123.2(CSMD3):c.7931T>A (p.Leu2644Gln)

Gene: CSMD3 (CUB and Sushi multiple domains 3; minus strand). Cytogenetic location: 8q23.3.
Variant type: single nucleotide variant.
Coding change: c.7931T>A on transcript NM_198123.2 (MANE Select); coding-DNA position 7931, T replaced by A.
Protein change: p.Leu2644Gln; replaces leucine 2644 with glutamine.
Molecular consequence: missense variant.
Genome position (GRCh38, 1-based): chr8:112,306,147, A>T on the plus strand (T>A on the coding strand, the complement: CSMD3 is on the minus strand). VCF-style: chr8-112306147-A-T. GRCh37 (hg19) VCF-style: chr8-113318376-A-T.
Other names: c.7331T>A, p.Leu2444Gln (NM_001363185.1); c.7619T>A, p.Leu2540Gln (NM_052900.3); c.7811T>A, p.Leu2604Gln (NM_198124.2); short protein forms L2644Q, L2604Q, L2444Q, L2540Q.
Identifiers: ClinVar variation 4979630 (VCV004979630.1).